The following is an entry in ClinVar:

NM_001329943.3(KIAA0586):c.411-1431C>G

Gene: KIAA0586 (KIAA0586; plus strand). Cytogenetic location: 14q23.1.
Variant type: single nucleotide variant.
Coding change: c.411-1431C>G on transcript NM_001329943.3 (MANE Select); 1431 bases into the intron before coding-DNA position 411, C replaced by G.
Molecular consequence: intron variant. On other transcripts: missense variant (2).
Genome position (GRCh38, 1-based): chr14:58,441,275, C>G. VCF-style: chr14-58441275-C-G. GRCh37 (hg19) VCF-style: chr14-58907993-C-G.
Other names: c.501C>G, p.His167Gln (NM_001244189.2); c.210C>G, p.His70Gln (NM_001244192.2); c.366-1431C>G (NM_001244190.2); c.156-1431C>G (NM_001244191.2, NM_001364701.2, NM_001329945.2 and 1 more transcripts); c.411-1431C>G (NM_001329944.2, NM_001329946.2, NM_001329947.2 and 1 more transcripts); c.-10-1431C>G (NM_001244193.2); short protein forms H167Q, H70Q.
Identifiers: ClinVar variation 2010968 (VCV002010968.4), dbSNP rs2038343984, ClinGen allele CA389860231.

ClinVar aggregate classification (germline): Uncertain significance (1 of 4 stars; one submission).

Conditions:
Joubert syndrome 23 (JBTS23). Identifiers: Orphanet 475, MedGen C4084822, MONDO:0014664, OMIM 616490.
Short-rib thoracic dysplasia 14 with polydactyly (SRTD14). Identifiers: Orphanet 397715, MedGen C4225286, MONDO:0014688, OMIM 616546.

Submission:

Labcorp Genetics (formerly Invitae), Labcorp
Classification: Uncertain significance for Joubert syndrome 23; Short-rib thoracic dysplasia 14 with polydactyly. Last evaluated: 2022-08-21. Review status: criteria provided, single submitter. Criteria: Invitae Variant Classification Sherloc (09022015). Collection method: clinical testing. Allele origin: germline.
Comment: In summary, the available evidence is currently insufficient to determine the role of this variant in disease. Therefore, it has been classified as a Variant of Uncertain Significance. Algorithms developed to predict the effect of missense changes on protein structure and function are either unavailable or do not agree on the potential impact of this missense change (SIFT: "Deleterious"; PolyPhen-2: "Benign"; Align-GVGD: "Class C0"). This variant has not been reported in the literature in individuals affected with KIAA0586-related conditions. This variant is not present in population databases (gnomAD no frequency). This sequence change replaces histidine, which is basic and polar, with glutamine, which is neutral and polar, at codon 167 of the KIAA0586 protein (p.His167Gln).